The following is an entry in ClinVar:

NM_000080.4(CHRNE):c.1046TGC[3] (p.Leu350_Pro351insLeu)

Genes: CHRNE (cholinergic receptor nicotinic epsilon subunit; minus strand), LOC130060041 (ATAC-STARR-seq lymphoblastoid silent region 8050; plus strand). Cytogenetic location: 17p13.2.
Variant type: Microsatellite.
Coding change: c.1046TGC[3] on transcript NM_000080.4 (MANE Select); three copies in a row of the 3-base unit TGC starting at c.1046; the reference has two copies in a row; one copy, 3 bases duplicated; also written c.1049_1051dup.
Protein change: p.Leu350_Pro351insLeu.
Molecular consequence: inframe insertion.
Genome position (GRCh38, 1-based): chr17:4,899,366-4,899,368, GCA duplicated on the plus strand (TGC on the coding strand, the reverse complement: CHRNE is on the minus strand); duplicating any 3 consecutive bases within chr17:4,899,366-4,899,373 gives the same sequence; the position shown is the placement nearest the transcript's 3' end. VCF-style (leftmost placement, unchanged base first): chr17-4899365-G-GGCA. GRCh37 (hg19) VCF-style: chr17-4802660-G-GGCA.
Other names: c.1049_1051dup (NM_000080.3).
Identifiers: ClinVar variation 4798422 (VCV004798422.2).

ClinVar aggregate classification (germline): Uncertain significance. Review status: criteria provided, multiple submitters, no conflicts (2 of 4 stars). 2 submissions from 2 submitters: Uncertain significance (2). Last evaluated 2026-04-18.

Conditions:
Congenital myasthenic syndrome 4A. Also called: CONGENITAL MYASTHENIC SYNDROME TYPE Ia1; Myasthenic syndrome, congenital, 4a, slow-channel; MYASTHENIC SYNDROME, CONGENITAL, 4A, SLOW-CHANNEL, AUTOSOMAL RECESSIVE. Identifiers: Orphanet 590, MedGen C4225413, MONDO:0011600, OMIM 605809.

Submissions (2):

GeneDx
Classification: Uncertain significance. Last evaluated: 2026-04-18. Review status: criteria provided, single submitter. Criteria: GeneDx Variant Classification Process June 2021. Collection method: clinical testing. Allele origin: germline.
Comment: Not observed at significant frequency in large population cohorts (gnomAD); In-frame duplication of 1 amino acid(s) in a non-repeat region; Has not been previously published as pathogenic or benign to our knowledge

Labcorp Genetics (formerly Invitae), Labcorp
Classification: Uncertain significance for Congenital myasthenic syndrome 4A. Last evaluated: 2026-01-17. Review status: criteria provided, single submitter. Criteria: Invitae Variant Classification Sherloc (09022015). Collection method: clinical testing. Allele origin: germline.
Comment: This variant, c.1049_1051dup, results in the insertion of 1 amino acid(s) of the CHRNE protein (p.Leu350dup), but otherwise preserves the integrity of the reading frame. This variant is not present in population databases (gnomAD no frequency). This variant has not been reported in the literature in individuals affected with CHRNE-related conditions. In summary, the available evidence is currently insufficient to determine the role of this variant in disease. Therefore, it has been classified as a Variant of Uncertain Significance.